The following is an entry in ClinVar:

ClinVar aggregate classification (germline): Uncertain significance. Review status: criteria provided, multiple submitters, no conflicts (2 of 4 stars). 2 submissions from 2 submitters: Uncertain significance (2). Last evaluated 2025-09-22.

Conditions:
Thrombomodulin-related bleeding disorder (THPH12). Also called: Thrombophilia due to thrombomodulin defect. Identifiers: Orphanet 436169, MedGen C3280976, MONDO:0013775, OMIM 614486.
Atypical hemolytic-uremic syndrome with thrombomodulin anomaly. Also called: HEMOLYTIC UREMIC SYNDROME, ATYPICAL, SUSCEPTIBILITY TO, 6; AHUS, SUSCEPTIBILITY TO, 6. Identifiers: MedGen C2752036, MONDO:0013044, OMIM 612926. Disease mechanism: gain of function.

gnomAD v4.1: 6 of 1,599,748 alleles (0.00038%); highest among the groups gnomAD compares: Admixed American, 0.0033%; no homozygotes.

Submissions (2):

Labcorp Genetics (formerly Invitae), Labcorp
Classification: Uncertain significance. Last evaluated: 2025-09-22. Review status: criteria provided, single submitter. Criteria: Invitae Variant Classification Sherloc (09022015). Collection method: clinical testing. Allele origin: germline.
Comment: This sequence change replaces arginine, which is basic and polar, with leucine, which is neutral and non-polar, at codon 315 of the THBD protein (p.Arg315Leu). This variant is present in population databases (rs558416795, gnomAD 0.006%). This variant has not been reported in the literature in individuals affected with THBD-related conditions. ClinVar contains an entry for this variant (Variation ID: 3587121). Invitae Evidence Modeling of protein sequence and biophysical properties (such as structural, functional, and spatial information, amino acid conservation, physicochemical variation, residue mobility, and thermodynamic stability) indicates that this missense variant is not expected to disrupt THBD protein function with a negative predictive value of 80%. In summary, the available evidence is currently insufficient to determine the role of this variant in disease. Therefore, it has been classified as a Variant of Uncertain Significance.

Fulgent Genetics
Classification: Uncertain significance for Atypical hemolytic-uremic syndrome with thrombomodulin anomaly; Thrombomodulin-related bleeding disorder. Last evaluated: 2024-02-20. Review status: criteria provided, single submitter. Criteria: ACMG Guidelines, 2015. Collection method: clinical testing. Allele origin: germline.

NM_000361.3(THBD):c.944G>T (p.Arg315Leu)

Gene: THBD (thrombomodulin; minus strand). Cytogenetic location: 20p11.21.
Variant type: single nucleotide variant.
Coding change: c.944G>T on transcript NM_000361.3 (MANE Select); coding-DNA position 944, G replaced by T.
Protein change: p.Arg315Leu; replaces arginine 315 with leucine.
Molecular consequence: missense variant.
Genome position (GRCh38, 1-based): chr20:23,048,561, C>A on the plus strand (G>T on the coding strand, the complement: THBD is on the minus strand). VCF-style: chr20-23048561-C-A. GRCh37 (hg19) VCF-style: chr20-23029198-C-A.
Other names: short protein forms R315L.
Identifiers: ClinVar variation 3587121 (VCV003587121.3).